The following is an entry in ClinVar:

NM_001375654.1(RP1):c.2982G>A (p.Lys994=)

Gene: RP1 (RP1 axonemal microtubule associated; plus strand). Cytogenetic location: 8q12.1.
Variant type: single nucleotide variant.
Coding change: c.2982G>A on transcript NM_001375654.1; coding-DNA position 2982, G replaced by A.
Protein change: p.Lys994=; no amino-acid change (lysine 994 retained).
Molecular consequence: synonymous variant.
Genome position (GRCh38, 1-based): chr8:54,755,659, G>A. VCF-style: chr8-54755659-G-A. GRCh37 (hg19) VCF-style: chr8-55668219-G-A.
Identifiers: ClinVar variation 4084655 (VCV004084655.9).
Genomic context (GRCh38, chr8:54,755,659, plus strand): 5'-TCTCCCTGTTGCTTTGCCAGTAGTGAGATACCAGGTTGACGTCTACACTGGGCAGCTGAA[G>A]CATGCAGAGACGGAGTCTGAGGTTTTCCTCTGTCTCTTTGGGGAGAGGGGAGACTCTGGC-3'

ClinVar aggregate classification (germline): Likely benign. Review status: criteria provided, multiple submitters, no conflicts (2 of 4 stars). 2 submissions from 2 submitters: Likely benign (2). Last evaluated 2025-07-01.

gnomAD v4.1: 93 of 1,536,022 alleles (0.0061%); highest among the groups gnomAD compares: South Asian, 0.092%; 1 homozygote.

Submissions (2):

CeGaT Center for Human Genetics Tuebingen
Classification: Likely benign. Last evaluated: 2025-07-01. Review status: criteria provided, single submitter. Criteria: CeGaT Center For Human Genetics Tuebingen Variant Classification Criteria Version 2. Collection method: clinical testing. Allele origin: germline. Affected: yes. Observed: 1 variant allele.
Comment: RP1: BP4, BP7

Blueprint Genetics
Classification: Likely benign. Last evaluated: 2023-02-24. Review status: criteria provided, single submitter. Criteria: ACMG Guidelines, 2015. Collection method: clinical testing. Allele origin: germline.